The following is an entry in ClinVar:

NC_000009.12:g.134918413C>T

Gene: FCN1 (ficolin 1; minus strand). Cytogenetic location: 9q34.3.
Variant type: single nucleotide variant.
Genome position: GRCh38 VCF-style: chr9-134918413-C-T. GRCh37 (hg19) VCF-style: chr9-137810259-C-T.
Identifiers: ClinVar variation 1266029 (VCV001266029.3), dbSNP rs10120023, ClinGen allele CA16376245.

ClinVar aggregate classification (germline): Benign (1 of 4 stars; one submission).

Allele frequency attached by ClinVar (database versions not stated): 1000 Genomes Project 30x 0.19628; 1000 Genomes Project 0.19728; TOPMed 0.25901; gnomAD 0.27227 and 0.27685.

Submission:

GeneDx
Classification: Benign. Last evaluated: 2019-08-22. Review status: criteria provided, single submitter. Criteria: GeneDx Variant Classification Process June 2021. Collection method: clinical testing. Allele origin: germline. Affected: yes.
Comment: This variant is associated with the following publications: (PMID: 22673311)